The following is an entry in ClinVar:

ClinVar aggregate classification (germline): Uncertain significance (1 of 4 stars; one submission).

Submission:

Ambry Genetics
Classification: Uncertain significance. Last evaluated: 2021-12-03. Review status: criteria provided, single submitter. Criteria: Ambry Variant Classification Scheme 2023. Collection method: clinical testing. Allele origin: germline.
Comment: The p.C920F variant (also known as c.2759G>T), located in coding exon 1 of the MLH3 gene, results from a G to T substitution at nucleotide position 2759. The cysteine at codon 920 is replaced by phenylalanine, an amino acid with highly dissimilar properties. This amino acid position is conserved. In addition, this alteration is predicted to be tolerated by in silico analysis. Since supporting evidence is limited at this time, the clinical significance of this alteration remains unclear.

NM_001040108.2(MLH3):c.2759G>T (p.Cys920Phe)

Gene: MLH3 (mutL homolog 3; minus strand). Cytogenetic location: 14q24.3.
Variant type: single nucleotide variant.
Coding change: c.2759G>T on transcript NM_001040108.2 (MANE Select); coding-DNA position 2759, G replaced by T.
Protein change: p.Cys920Phe; replaces cysteine 920 with phenylalanine.
Molecular consequence: missense variant.
Genome position (GRCh38, 1-based): chr14:75,046,897, C>A on the plus strand (G>T on the coding strand, the complement: MLH3 is on the minus strand). VCF-style: chr14-75046897-C-A. GRCh37 (hg19) VCF-style: chr14-75513600-C-A.
Other names: c.2759G>T, p.Cys920Phe (NM_014381.3); short protein forms C920F.
Identifiers: ClinVar variation 1795644 (VCV001795644.2), dbSNP rs2503261860, ClinGen allele CA390438661.